The following is an entry in ClinVar:

ClinVar aggregate classification (germline): Uncertain significance. Review status: criteria provided, multiple submitters, no conflicts (2 of 4 stars). 4 submissions from 4 submitters: Uncertain significance (4). Last evaluated 2025-07-29.

Conditions:
Charcot-Marie-Tooth disease type 2A1. Also called: HEREDITARY MOTOR AND SENSORY NEUROPATHY IIA1; CHARCOT-MARIE-TOOTH DISEASE, AXONAL, TYPE 2A1; CHARCOT-MARIE-TOOTH DISEASE, AXONAL, AUTOSOMAL DOMINANT, TYPE 2A1; CHARCOT-MARIE-TOOTH DISEASE, NEURONAL, TYPE 2A1; CHARCOT-MARIE-TOOTH NEUROPATHY, TYPE 2A1. Identifiers: Orphanet 99946, MedGen C1861678, MONDO:0007308, OMIM 118210.
Neuroblastoma, susceptibility to, 1. Identifiers: MedGen C2749485, MONDO:0009741, OMIM 256700.
Charcot-Marie-Tooth disease type 2. Also called: Charcot-Marie-Tooth type 2. Identifiers: Orphanet 64746, MedGen C0270914, MONDO:0018993.

Allele frequency attached by ClinVar (database versions not stated): TOPMed 0.00005; ExAC 0.00008; gnomAD exomes 0.00004 and 0.00003; gnomAD 0.00006 and 0.00005; ESP Exome Variant Server 0.00015.
gnomAD v4.1: 47 of 1,613,858 alleles (0.0029%); highest among the groups gnomAD compares: African/African-American, 0.004%; no homozygotes.

Submissions (4):

Labcorp Genetics (formerly Invitae), Labcorp
Classification: Uncertain significance for Charcot-Marie-Tooth disease type 2. Last evaluated: 2025-07-29. Review status: criteria provided, single submitter. Criteria: Invitae Variant Classification Sherloc (09022015). Collection method: clinical testing. Allele origin: germline.
Comment: This sequence change replaces serine, which is neutral and polar, with tyrosine, which is neutral and polar, at codon 1294 of the KIF1B protein (p.Ser1294Tyr). This variant is present in population databases (rs202229713, gnomAD 0.01%). This variant has not been reported in the literature in individuals affected with KIF1B-related conditions. ClinVar contains an entry for this variant (Variation ID: 640472). An algorithm developed to predict the effect of missense changes on protein structure and function (PolyPhen-2) suggests that this variant is likely to be disruptive. In summary, the available evidence is currently insufficient to determine the role of this variant in disease. Therefore, it has been classified as a Variant of Uncertain Significance.

Ambry Genetics
Classification: Uncertain significance. Last evaluated: 2025-04-15. Review status: criteria provided, single submitter. Criteria: Ambry Variant Classification Scheme 2023. Collection method: clinical testing. Allele origin: germline.
Comment: The p.S1294Y variant (also known as c.3881C>A), located in coding exon 35 of the KIF1B gene, results from a C to A substitution at nucleotide position 3881. The serine at codon 1294 is replaced by tyrosine, an amino acid with dissimilar properties. This amino acid position is highly conserved in available vertebrate species. In addition, this alteration is predicted to be deleterious by in silico analysis. The evidence for this gene-disease relationship is limited; therefore, the clinical significance of this alteration is unclear.

Fulgent Genetics
Classification: Uncertain significance for Charcot-Marie-Tooth disease type 2A1; Neuroblastoma, susceptibility to, 1. Last evaluated: 2024-03-18. Review status: criteria provided, single submitter. Criteria: ACMG Guidelines, 2015. Collection method: clinical testing. Allele origin: germline.

Women's Health and Genetics/Laboratory Corporation of America, LabCorp
Classification: Uncertain significance. Last evaluated: 2023-09-20. Review status: criteria provided, single submitter. Criteria: LabCorp Variant Classification Summary - May 2015. Collection method: clinical testing. Allele origin: germline.
Comment: Variant summary: KIF1B c.3881C>A (p.Ser1294Tyr) results in a non-conservative amino acid change located in the kinesin-like domain (IPR022164) of the encoded protein sequence. Five of five in-silico tools predict a damaging effect of the variant on protein function. The variant allele was found at a frequency of 4e-05 in 251434 control chromosomes (gnomAD). To our knowledge, no occurrence of c.3881C>A in individuals affected with KIF1B-Related Disorders and no experimental evidence demonstrating its impact on protein function have been reported. Two submitters have cited clinical-significance assessments for this variant to ClinVar after 2014. Both submitters classified the variant as uncertain significance. Based on the evidence outlined above, the variant was classified as uncertain significance.

NM_001365951.3(KIF1B):c.4019C>A (p.Ser1340Tyr)

Gene: KIF1B (kinesin family member 1B; plus strand). Cytogenetic location: 1p36.22.
Variant type: single nucleotide variant.
Coding change: c.4019C>A on transcript NM_001365951.3 (MANE Select); coding-DNA position 4019, C replaced by A.
Protein change: p.Ser1340Tyr; replaces serine 1340 with tyrosine.
Molecular consequence: missense variant.
Genome position (GRCh38, 1-based): chr1:10,352,700, C>A. VCF-style: chr1-10352700-C-A. GRCh37 (hg19) VCF-style: chr1-10412758-C-A.
Other names: c.4019C>A, p.Ser1340Tyr (NM_001365952.1); c.3881C>A, p.Ser1294Tyr (NM_015074.3); short protein forms S1294Y, S1340Y.
Identifiers: ClinVar variation 640472 (VCV000640472.14), dbSNP rs202229713, ClinGen allele CA581961.